The following is an entry in ClinVar:

ClinVar aggregate classification (germline): Uncertain significance. Review status: criteria provided, multiple submitters, no conflicts (2 of 4 stars). 2 submissions from 2 submitters: Uncertain significance (2). Last evaluated 2022-04-12.

Conditions:
Autosomal recessive polycystic kidney disease (ARPKD). Also called: AR polycystic kidney disease. Identifiers: Orphanet 731, Orphanet 8378, MedGen C0085548, MeSH D017044, MONDO:0009889.

Allele frequency attached by ClinVar (database versions not stated): TOPMed below 0.00001; gnomAD 0.00001; ExAC 0.00002.
gnomAD v4.1: 9 of 1,613,310 alleles (0.00056%); highest among the groups gnomAD compares: Non-Finnish European, 0.00076%; no homozygotes.

Submissions (2):

Blueprint Genetics
Classification: Uncertain significance. Last evaluated: 2022-04-12. Review status: criteria provided, single submitter. Criteria: ACMG Guidelines, 2015. Collection method: clinical testing. Allele origin: germline.

Labcorp Genetics (formerly Invitae), Labcorp
Classification: Uncertain significance for Autosomal recessive polycystic kidney disease. Last evaluated: 2021-09-17. Review status: criteria provided, single submitter. Criteria: Invitae Variant Classification Sherloc (09022015). Collection method: clinical testing. Allele origin: germline.
Comment: This sequence change replaces threonine with serine at codon 871 of the PKHD1 protein (p.Thr871Ser). The threonine residue is moderately conserved and there is a small physicochemical difference between threonine and serine. This variant is present in population databases (rs779156712, ExAC 0.005%). This variant has not been reported in the literature in individuals with PKHD1-related conditions. Algorithms developed to predict the effect of missense changes on protein structure and function are either unavailable or do not agree on the potential impact of this missense change (SIFT: "Tolerated"; PolyPhen-2: "Probably Damaging"; Align-GVGD: "Class C0"). Algorithms developed to predict the effect of sequence changes on RNA splicing suggest that this variant may create or strengthen a splice site, but this prediction has not been confirmed by published transcriptional studies. In summary, the available evidence is currently insufficient to determine the role of this variant in disease. Therefore, it has been classified as a Variant of Uncertain Significance.

NM_138694.4(PKHD1):c.2612C>G (p.Thr871Ser)

Gene: PKHD1 (PKHD1 ciliary IPT domain containing fibrocystin/polyductin; minus strand). Cytogenetic location: 6p12.2.
Variant type: single nucleotide variant.
Coding change: c.2612C>G on transcript NM_138694.4 (MANE Select); coding-DNA position 2612, C replaced by G.
Protein change: p.Thr871Ser; replaces threonine 871 with serine.
Molecular consequence: missense variant.
Genome position (GRCh38, 1-based): chr6:52,045,069, G>C on the plus strand (C>G on the coding strand, the complement: PKHD1 is on the minus strand). VCF-style: chr6-52045069-G-C. GRCh37 (hg19) VCF-style: chr6-51909867-G-C.
Other names: c.2612C>G, p.Thr871Ser (NM_170724.3); short protein forms T871S.
Identifiers: ClinVar variation 2428268 (VCV002428268.5), dbSNP rs779156712, ClinGen allele CA3853159.